The following is an entry in ClinVar:

ClinVar aggregate classification (germline): Likely benign. Review status: criteria provided, multiple submitters, no conflicts (2 of 4 stars). 4 submissions from 4 submitters: Likely benign (4). Last evaluated 2025-11-06.

Conditions:
Cardiovascular phenotype. Identifiers: MedGen CN230736.

Allele frequency attached by ClinVar (database versions not stated): gnomAD 0.00007 and 0.00008; gnomAD exomes 0.00007 and 0.00015; ExAC 0.00008; TOPMed 0.00011; ESP Exome Variant Server 0.00015.
gnomAD v4.1: 221 of 1,614,024 alleles (0.014%); highest among the groups gnomAD compares: Non-Finnish European, 0.018%; no homozygotes.

Submissions (4):

Labcorp Genetics (formerly Invitae), Labcorp
Classification: Likely benign. Last evaluated: 2025-11-06. Review status: criteria provided, single submitter. Criteria: Invitae Variant Classification Sherloc (09022015). Collection method: clinical testing. Allele origin: germline.

CeGaT Center for Human Genetics Tuebingen
Classification: Likely benign. Last evaluated: 2024-10-01. Review status: criteria provided, single submitter. Criteria: CeGaT Center For Human Genetics Tuebingen Variant Classification Criteria Version 2. Collection method: clinical testing. Allele origin: germline. Affected: yes. Observed: 1 variant allele.
Comment: ABCA1: BP4, BP7

Women's Health and Genetics/Laboratory Corporation of America, LabCorp
Classification: Likely benign. Last evaluated: 2023-08-07. Review status: criteria provided, single submitter. Criteria: LabCorp Variant Classification Summary - May 2015. Collection method: clinical testing. Allele origin: germline.

Ambry Genetics
Classification: Likely benign for Cardiovascular phenotype. Last evaluated: 2020-03-17. Review status: criteria provided, single submitter. Criteria: Ambry Variant Classification Scheme 2023. Collection method: clinical testing. Allele origin: germline.

NM_005502.4(ABCA1):c.2910C>T (p.Thr970=)

Gene: ABCA1 (ATP binding cassette subfamily A member 1; minus strand). Cytogenetic location: 9q31.1.
Variant type: single nucleotide variant.
Coding change: c.2910C>T on transcript NM_005502.4 (MANE Select); coding-DNA position 2910, C replaced by T.
Protein change: p.Thr970=; no amino-acid change (threonine 970 retained).
Molecular consequence: synonymous variant.
Genome position (GRCh38, 1-based): chr9:104,821,425, G>A on the plus strand (C>T on the coding strand, the complement: ABCA1 is on the minus strand). VCF-style: chr9-104821425-G-A. GRCh37 (hg19) VCF-style: chr9-107583706-G-A.
Identifiers: ClinVar variation 1541302 (VCV001541302.24), dbSNP rs142992384, ClinGen allele CA5168613.